The following is an entry in ClinVar:

NM_004318.4(ASPH):c.1771G>T (p.Glu591Ter)

Gene: ASPH (aspartate beta-hydroxylase; minus strand). Cytogenetic location: 8q12.3.
Variant type: single nucleotide variant.
Coding change: c.1771G>T on transcript NM_004318.4 (MANE Select); coding-DNA position 1771, G replaced by T.
Protein change: p.Glu591Ter; replaces glutamic acid 591 with a stop codon.
Molecular consequence: nonsense.
Genome position (GRCh38, 1-based): chr8:61,526,106, C>A on the plus strand (G>T on the coding strand, the complement: ASPH is on the minus strand). VCF-style: chr8-61526106-C-A. GRCh37 (hg19) VCF-style: chr8-62438665-C-A.
Other names: c.1684G>T, p.Glu562Ter (NM_001164750.2); short protein forms E562*, E591*.
Identifiers: ClinVar variation 1210559 (VCV001210559.4), dbSNP rs2129625655, ClinGen allele CA371315477.

ClinVar aggregate classification (germline): Likely pathogenic (1 of 4 stars; one submission).

Submission:

GeneDx
Classification: Likely pathogenic. Last evaluated: 2025-02-14. Review status: criteria provided, single submitter. Criteria: GeneDx Variant Classification Process June 2021. Collection method: clinical testing. Allele origin: germline. Affected: yes.
Comment: Nonsense variant predicted to result in protein truncation or nonsense mediated decay in a gene for which loss of function is a known mechanism of disease; Not observed at significant frequency in large population cohorts (gnomAD); Has not been previously published as pathogenic or benign to our knowledge